The following is an entry in ClinVar:

ClinVar aggregate classification (germline): Uncertain significance (1 of 4 stars; one submission).

Conditions:
Hereditary cancer-predisposing syndrome. Also called: Tumor predisposition; Neoplastic Syndromes, Hereditary; Hereditary Cancer Syndrome; Hereditary neoplastic syndrome. Identifiers: Orphanet 140162, MedGen C0027672, MeSH D009386, MONDO:0015356.

Submission:

Labcorp Genetics (formerly Invitae), Labcorp
Classification: Uncertain significance for Hereditary cancer-predisposing syndrome. Last evaluated: 2023-02-21. Review status: criteria provided, single submitter. Criteria: Invitae Variant Classification Sherloc (09022015). Collection method: clinical testing. Allele origin: germline.
Comment: In summary, the available evidence is currently insufficient to determine the role of this variant in disease. Therefore, it has been classified as a Variant of Uncertain Significance. Advanced modeling of protein sequence and biophysical properties (such as structural, functional, and spatial information, amino acid conservation, physicochemical variation, residue mobility, and thermodynamic stability) performed at Invitae indicates that this missense variant is expected to disrupt RAD50 protein function. This variant has not been reported in the literature in individuals affected with RAD50-related conditions. This variant is not present in population databases (gnomAD no frequency). This sequence change replaces arginine, which is basic and polar, with leucine, which is neutral and non-polar, at codon 1185 of the RAD50 protein (p.Arg1185Leu).

NM_005732.4(RAD50):c.3554G>T (p.Arg1185Leu)

Genes: TH2-LCR (Th2 cytokine locus control region; plus strand), RAD50 (RAD50 double strand break repair protein; plus strand), TH2LCRR (T helper type 2 locus control region associated RNA; minus strand). Cytogenetic location: 5q31.1.
Variant type: single nucleotide variant.
Coding change: c.3554G>T on transcript NM_005732.4 (MANE Select); coding-DNA position 3554, G replaced by T.
Protein change: p.Arg1185Leu; replaces arginine 1185 with leucine.
Molecular consequence: missense variant. On other transcripts: non-coding transcript variant (3).
Genome position (GRCh38, 1-based): chr5:132,638,159, G>T. VCF-style: chr5-132638159-G-T. GRCh37 (hg19) VCF-style: chr5-131973851-G-T.
Other names: short protein forms R1185L.
Identifiers: ClinVar variation 2839333 (VCV002839333.3), dbSNP rs747603489, ClinGen allele CA360932001.